The following is an entry in ClinVar:

ClinVar aggregate classification (germline): Uncertain significance (1 of 4 stars; one submission).

Submission:

Labcorp Genetics (formerly Invitae), Labcorp
Classification: Uncertain significance. Last evaluated: 2022-05-11. Review status: criteria provided, single submitter. Criteria: Invitae Variant Classification Sherloc (09022015). Collection method: clinical testing. Allele origin: germline.
Comment: In summary, the available evidence is currently insufficient to determine the role of this variant in disease. Therefore, it has been classified as a Variant of Uncertain Significance. Algorithms developed to predict the effect of missense changes on protein structure and function (SIFT, PolyPhen-2, Align-GVGD) all suggest that this variant is likely to be tolerated. This variant has not been reported in the literature in individuals affected with ATOH7-related conditions. This variant is not present in population databases (gnomAD no frequency). This sequence change replaces proline, which is neutral and non-polar, with serine, which is neutral and polar, at codon 10 of the ATOH7 protein (p.Pro10Ser).

NM_145178.4(ATOH7):c.28C>T (p.Pro10Ser)

Genes: ATOH7 (atonal bHLH transcription factor 7; minus strand), LOC130003943 (ATAC-STARR-seq lymphoblastoid silent region 2418; plus strand). Cytogenetic location: 10q21.3.
Variant type: single nucleotide variant.
Coding change: c.28C>T on transcript NM_145178.4 (MANE Select); coding-DNA position 28, C replaced by T.
Protein change: p.Pro10Ser; replaces proline 10 with serine.
Molecular consequence: missense variant.
Genome position (GRCh38, 1-based): chr10:68,231,650, G>A on the plus strand (C>T on the coding strand, the complement: ATOH7 is on the minus strand). VCF-style: chr10-68231650-G-A. GRCh37 (hg19) VCF-style: chr10-69991407-G-A.
Other names: short protein forms P10S.
Identifiers: ClinVar variation 2112595 (VCV002112595.4), dbSNP rs2134380856, ClinGen allele CA376837914.
Genomic context (GRCh38, chr10:68,231,650, plus strand): 5'-CGCACGTGCCCGCGCACTCGGTGCCGCCCGCGCACGGGGGTGCAACGCGCGCTCCCGCCG[G>A]CGGGCCGCTGGGCTTGCAGGACTTCATCCCCGGCCCCAAGCAGCGAGGCGCCGACCTCGC-3'
Protein context (NP_660161.1, residues 1-20): MKSCKPSGP[Pro10Ser]AGARVAPPCA